The following is an entry in ClinVar:

NM_001040142.2(SCN2A):c.3601T>G (p.Cys1201Gly)

Gene: SCN2A (sodium voltage-gated channel alpha subunit 2; plus strand). Cytogenetic location: 2q24.3.
Variant type: single nucleotide variant.
Coding change: c.3601T>G on transcript NM_001040142.2 (MANE Select); coding-DNA position 3601, T replaced by G.
Protein change: p.Cys1201Gly; replaces cysteine 1201 with glycine.
Molecular consequence: missense variant.
Genome position (GRCh38, 1-based): chr2:165,367,297, T>G. VCF-style: chr2-165367297-T-G. GRCh37 (hg19) VCF-style: chr2-166223807-T-G.
Other names: c.3601T>G, p.Cys1201Gly (NM_001040143.2, NM_001371246.1, NM_001371247.1 and 1 more transcripts); short protein forms C1201G.
Identifiers: ClinVar variation 2574412 (VCV002574412.4), dbSNP rs2468070488, ClinGen allele CA349026052.

ClinVar aggregate classification (germline): Uncertain significance. Review status: criteria provided, multiple submitters, no conflicts (2 of 4 stars). 2 submissions from 2 submitters: Uncertain significance (2). Last evaluated 2023-10-10.

Conditions:
Seizures, benign familial infantile, 3 (BFIS3). Also called: Familial neonatal seizures; CONVULSIONS, BENIGN FAMILIAL INFANTILE, 3. Identifiers: Orphanet 140927, Orphanet 306, MedGen C1843140, MONDO:0011904, OMIM 607745.
Developmental and epileptic encephalopathy, 11 (DEE11). Also called: Early infantile epileptic encephalopathy 11. Identifiers: Orphanet 1934, MedGen C3150987, MONDO:0013388, OMIM 613721.

Submissions (2):

Labcorp Genetics (formerly Invitae), Labcorp
Classification: Uncertain significance for Seizures, benign familial infantile, 3; Developmental and epileptic encephalopathy, 11. Last evaluated: 2023-10-10. Review status: criteria provided, single submitter. Criteria: Invitae Variant Classification Sherloc (09022015). Collection method: clinical testing. Allele origin: germline.
Comment: This sequence change replaces cysteine, which is neutral and slightly polar, with glycine, which is neutral and non-polar, at codon 1201 of the SCN2A protein (p.Cys1201Gly). This variant is not present in population databases (gnomAD no frequency). This variant has not been reported in the literature in individuals affected with SCN2A-related conditions. ClinVar contains an entry for this variant (Variation ID: 2574412). Advanced modeling of protein sequence and biophysical properties (such as structural, functional, and spatial information, amino acid conservation, physicochemical variation, residue mobility, and thermodynamic stability) performed at Invitae indicates that this missense variant is expected to disrupt SCN2A protein function. In summary, the available evidence is currently insufficient to determine the role of this variant in disease. Therefore, it has been classified as a Variant of Uncertain Significance.

GeneDx
Classification: Uncertain significance. Last evaluated: 2023-07-25. Review status: criteria provided, single submitter. Criteria: GeneDx Variant Classification Process June 2021. Collection method: clinical testing. Allele origin: germline. Affected: yes.
Comment: Not observed at significant frequency in large population cohorts (gnomAD); Missense variants in this gene are often considered pathogenic (HGMD); In silico analysis supports that this missense variant has a deleterious effect on protein structure/function; This substitution is predicted to be in the cytoplasmic loop between the second and third homologous domains; Has not been previously published as pathogenic or benign to our knowledge